The following is an entry in ClinVar:

ClinVar aggregate classification (germline): Conflicting classifications of pathogenicity. Review status: criteria provided, conflicting classifications (1 of 4 stars). 2 submissions from 2 submitters: Uncertain significance (1); Benign (1). Last evaluated 2025-06-09.

Conditions:
Heterotopia, periventricular, X-linked dominant (PVNH1). Also called: PERIVENTRICULAR NODULAR HETEROTOPIA 1; X-linked periventricular heterotopia; PERIVENTRICULAR NODULAR HETEROTOPIA 4; HETEROTOPIA, PERIVENTRICULAR, 1. Identifiers: Orphanet 2149, Orphanet 82004, MedGen C1848213, MONDO:0010233, OMIM 300049.
Melnick-Needles syndrome (MNS). Also called: MELNICK-NEEDLES OSTEODYSPLASTY; OSTEODYSPLASTY OF MELNICK AND NEEDLES; Melnick-Needles Syndrome (FLNA-MNS). Identifiers: Orphanet 2484, MedGen C0025237, MONDO:0010650, OMIM 309350.
Frontometaphyseal dysplasia (FMD1). Identifiers: Orphanet 1826, MedGen C0265293, MONDO:0015942.
Oto-palato-digital syndrome, type II (OPD2). Also called: FACIOPALATOOSSEOUS SYNDROME; OPD II SYNDROME; Otopalatodigital Syndrome Type 2 (FLNA-OPD2); Otopalatodigital Syndrome, Type II. Identifiers: Orphanet 669, Orphanet 90652, MedGen C1844696, MONDO:0010571, OMIM 304120.

Allele frequency attached by ClinVar (database versions not stated): gnomAD 0.00001; gnomAD exomes 0.00001 and 0.00002; ExAC 0.00002; TOPMed 0.00002.
gnomAD v4.1: 15 of 1,208,631 alleles (0.0012%); highest among the groups gnomAD compares: South Asian, 0.0053%; no homozygotes.

Submissions (2):

Labcorp Genetics (formerly Invitae), Labcorp
Classification: Benign for Oto-palato-digital syndrome, type II; Heterotopia, periventricular, X-linked dominant; Frontometaphyseal dysplasia; Melnick-Needles syndrome. Last evaluated: 2025-06-09. Review status: criteria provided, single submitter. Criteria: Invitae Variant Classification Sherloc (09022015). Collection method: clinical testing. Allele origin: germline.

GeneDx
Classification: Uncertain significance. Last evaluated: 2021-09-22. Review status: criteria provided, single submitter. Criteria: GeneDx Variant Classification Process June 2021. Collection method: clinical testing. Allele origin: germline. Affected: yes.
Comment: Has not been previously published as pathogenic or benign to our knowledge; In silico analysis, which includes protein predictors and evolutionary conservation, supports a deleterious effect

NM_001110556.2(FLNA):c.973G>A (p.Gly325Arg)

Gene: FLNA (filamin A; minus strand). Cytogenetic location: Xq28.
Variant type: single nucleotide variant.
Coding change: c.973G>A on transcript NM_001110556.2 (MANE Select); coding-DNA position 973, G replaced by A.
Protein change: p.Gly325Arg; replaces glycine 325 with arginine.
Molecular consequence: missense variant.
Genome position (GRCh38, 1-based): chrX:154,366,746, C>T on the plus strand (G>A on the coding strand, the complement: FLNA is on the minus strand). VCF-style: chrX-154366746-C-T. GRCh37 (hg19) VCF-style: chrX-153595114-C-T.
Other names: c.973G>A, p.Gly325Arg (NM_001456.4); short protein forms G325R.
Identifiers: ClinVar variation 1202989 (VCV001202989.10), dbSNP rs782724892, ClinGen allele CA10561318.